The following is an entry in ClinVar:

ClinVar aggregate classification (germline): Uncertain significance (1 of 4 stars; one submission).

Submission:

Labcorp Genetics (formerly Invitae), Labcorp
Classification: Uncertain significance. Last evaluated: 2024-06-09. Review status: criteria provided, single submitter. Criteria: Invitae Variant Classification Sherloc (09022015). Collection method: clinical testing. Allele origin: germline.
Comment: This sequence change replaces glycine, which is neutral and non-polar, with arginine, which is basic and polar, at codon 1350 of the COL7A1 protein (p.Gly1350Arg). This variant is not present in population databases (gnomAD no frequency). This variant has not been reported in the literature in individuals affected with COL7A1-related conditions. Experimental studies and prediction algorithms are not available or were not evaluated, and the functional significance of this variant is currently unknown. This variant disrupts the triple helix domain of COL7A1. Glycine residues within the Gly-Xaa-Yaa repeats of the triple helix domain are required for the structure and stability of fibrillar collagens (PMID: 7695699, 8218237, 19344236), and variants at these glycine residues in COL7A1 are more frequently observed in individuals with disease than in the general population (PMID: 22058051). However, the clinical significance of this observation remains uncertain since only a limited number of affected individuals have been described to date. In summary, the available evidence is currently insufficient to determine the role of this variant in disease. Therefore, it has been classified as a Variant of Uncertain Significance.

Literature cited by the submitters: PubMed 7695699; PubMed 8218237; PubMed 19344236; PubMed 22058051.

NM_000094.4(COL7A1):c.4048G>C (p.Gly1350Arg)

Gene: COL7A1 (collagen type VII alpha 1 chain; minus strand). Cytogenetic location: 3p21.31.
Variant type: single nucleotide variant.
Coding change: c.4048G>C on transcript NM_000094.4 (MANE Select); coding-DNA position 4048, G replaced by C.
Protein change: p.Gly1350Arg; replaces glycine 1350 with arginine.
Molecular consequence: missense variant.
Genome position (GRCh38, 1-based): chr3:48,584,556, C>G on the plus strand (G>C on the coding strand, the complement: COL7A1 is on the minus strand). VCF-style: chr3-48584556-C-G. GRCh37 (hg19) VCF-style: chr3-48621989-C-G.
Other names: short protein forms G1350R.
Identifiers: ClinVar variation 3716951 (VCV003716951.2).